The following is an entry in ClinVar:

NM_021975.4(RELA):c.1210G>A (p.Ala404Thr)

Gene: RELA (RELA proto-oncogene, NF-kB subunit; minus strand). Cytogenetic location: 11q13.1.
Variant type: single nucleotide variant.
Coding change: c.1210G>A on transcript NM_021975.4 (MANE Select); coding-DNA position 1210, G replaced by A.
Protein change: p.Ala404Thr; replaces alanine 404 with threonine.
Molecular consequence: missense variant. On other transcripts: intron variant (1).
Genome position (GRCh38, 1-based): chr11:65,654,824, C>T on the plus strand (G>A on the coding strand, the complement: RELA is on the minus strand). VCF-style: chr11-65654824-C-T. GRCh37 (hg19) VCF-style: chr11-65422295-C-T.
Other names: c.1210G>A (NM_021975.3); c.1201G>A, p.Ala401Thr (NM_001145138.2); c.1210G>A, p.Ala404Thr (NM_001243985.2); c.1243G>A, p.Ala415Thr (NM_001404657.1); c.1183G>A, p.Ala395Thr (NM_001404658.1); c.997G>A, p.Ala333Thr (NM_001404659.1); c.892G>A, p.Ala298Thr (NM_001404660.1); c.829G>A, p.Ala277Thr (NM_001404661.1); and 2 more; short protein forms A277T, A333T, A395T, A404T, A373T, A401T, A298T, A415T.
Identifiers: ClinVar variation 2961443 (VCV002961443.4), dbSNP rs1390278423, ClinGen allele CA381387744.

ClinVar aggregate classification (germline): Uncertain significance. Review status: criteria provided, multiple submitters, no conflicts (2 of 4 stars). 2 submissions from 2 submitters: Uncertain significance (2). Last evaluated 2024-10-07.

Allele frequency attached by ClinVar (database versions not stated): gnomAD 0.00001; TOPMed 0.00004.
gnomAD v4.1: 4 of 1,545,592 alleles (0.00026%); highest among the groups gnomAD compares: Admixed American, 0.0079%; no homozygotes.

Submissions (2):

Ambry Genetics
Classification: Uncertain significance. Last evaluated: 2024-10-07. Review status: criteria provided, single submitter. Criteria: Ambry Variant Classification Scheme 2023. Collection method: clinical testing. Allele origin: germline.

Labcorp Genetics (formerly Invitae), Labcorp
Classification: Uncertain significance. Last evaluated: 2024-03-22. Review status: criteria provided, single submitter. Criteria: Invitae Variant Classification Sherloc (09022015). Collection method: clinical testing. Allele origin: germline.
Comment: This sequence change replaces alanine, which is neutral and non-polar, with threonine, which is neutral and polar, at codon 404 of the RELA protein (p.Ala404Thr). The frequency data for this variant in the population databases is considered unreliable, as metrics indicate poor data quality at this position in the gnomAD database. This variant has not been reported in the literature in individuals affected with RELA-related conditions. An algorithm developed to predict the effect of missense changes on protein structure and function (PolyPhen-2) suggests that this variant is likely to be tolerated. In summary, the available evidence is currently insufficient to determine the role of this variant in disease. Therefore, it has been classified as a Variant of Uncertain Significance.